The following is an entry in ClinVar:

NM_201384.3(PLEC):c.3945+4G>A

Gene: PLEC (plectin; minus strand). Cytogenetic location: 8q24.3.
Variant type: single nucleotide variant.
Coding change: c.3945+4G>A on transcript NM_201384.3 (MANE Select); 4 bases into the intron after coding-DNA position 3945, G replaced by A.
Molecular consequence: intron variant.
Genome position (GRCh38, 1-based): chr8:143,926,973, C>T on the plus strand (G>A on the coding strand, the complement: PLEC is on the minus strand). VCF-style: chr8-143926973-C-T. GRCh37 (hg19) VCF-style: chr8-145001141-C-T.
Other names: c.4026+4G>A (NM_000445.5); c.3903+4G>A (NM_201378.4); c.3879+4G>A (NM_201379.3); c.4356+4G>A (NM_201380.4); c.3849+4G>A (NM_201381.3); c.3945+4G>A (NM_201382.4); c.3957+4G>A (NM_201383.3).
Identifiers: ClinVar variation 572769 (VCV000572769.6), dbSNP rs1443632528, ClinGen allele CA848830260.

ClinVar aggregate classification (germline): Uncertain significance (1 of 4 stars; one submission).

Conditions:
Epidermolysis bullosa simplex 5C, with pyloric atresia (EBS5C). Also called: PLEC-Related Epidermolysis Bullosa with Pyloric Atresia; Epidermolysis bullosa simplex with pyloric atresia; PLEC1-Related Epidermolysis Bullosa with Pyloric Atresia. Identifiers: Orphanet 158684, MedGen C2677349, MONDO:0012807, OMIM 612138.
Epidermolysis bullosa simplex with nail dystrophy (EBS5D). Identifiers: MedGen C4225309, MONDO:0014661, OMIM 616487.
Epidermolysis bullosa simplex 5B, with muscular dystrophy (EBS5B). Also called: Epidermolysis bullosa simplex with muscular dystrophy; EPIDERMOLYSIS BULLOSA SIMPLEX AND LIMB-GIRDLE MUSCULAR DYSTROPHY. Identifiers: Orphanet 257, MedGen C2931072, MONDO:0009181, OMIM 226670.
Autosomal recessive limb-girdle muscular dystrophy type 2Q (LGMDR17). Also called: MUSCULAR DYSTROPHY, LIMB-GIRDLE, AUTOSOMAL RECESSIVE 17. Identifiers: Orphanet 254361, MedGen C3150989, MONDO:0013390, OMIM 613723.
Epidermolysis bullosa simplex, Ogna type (EBS5A). Also called: Pidermolysis bullosa simplex 5A, Ogna type; EPIDERMOLYSIS BULLOSA SIMPLEX 5A, OGNA TYPE. Identifiers: Orphanet 79401, MedGen C0432317, MONDO:0007555, OMIM 131950.

Allele frequency attached by ClinVar (database versions not stated): gnomAD 0.00001; TOPMed 0.00001.
gnomAD v4.1: 2 of 1,612,254 alleles (0.00012%); highest among the groups gnomAD compares: East Asian, 0.0022%; no homozygotes.

Submission:

Labcorp Genetics (formerly Invitae), Labcorp
Classification: Uncertain significance for Autosomal recessive limb-girdle muscular dystrophy type 2Q; Epidermolysis bullosa simplex, Ogna type; Epidermolysis bullosa simplex with nail dystrophy; Epidermolysis bullosa simplex 5C, with pyloric atresia; Epidermolysis bullosa simplex 5B, with muscular dystrophy. Last evaluated: 2024-04-29. Review status: criteria provided, single submitter. Criteria: Invitae Variant Classification Sherloc (09022015). Collection method: clinical testing. Allele origin: germline.
Comment: This sequence change falls in intron 30 of the PLEC gene. It does not directly change the encoded amino acid sequence of the PLEC protein. It affects a nucleotide within the consensus splice site. This variant is not present in population databases (gnomAD no frequency). This variant has not been reported in the literature in individuals affected with PLEC-related conditions. ClinVar contains an entry for this variant (Variation ID: 572769). Variants that disrupt the consensus splice site are a relatively common cause of aberrant splicing (PMID: 17576681, 9536098). Algorithms developed to predict the effect of sequence changes on RNA splicing suggest that this variant is not likely to affect RNA splicing. In summary, the available evidence is currently insufficient to determine the role of this variant in disease. Therefore, it has been classified as a Variant of Uncertain Significance.

Literature cited by the submitters: PubMed 17576681; PubMed 9536098.